The following is an entry in ClinVar:

NM_016122.3(CEP83):c.1660A>T (p.Asn554Tyr)

Gene: CEP83 (centrosomal protein 83; minus strand). Cytogenetic location: 12q22.
Variant type: single nucleotide variant.
Coding change: c.1660A>T on transcript NM_016122.3 (MANE Select); coding-DNA position 1660, A replaced by T.
Protein change: p.Asn554Tyr; replaces asparagine 554 with tyrosine.
Molecular consequence: missense variant. On other transcripts: non-coding transcript variant (2).
Genome position (GRCh38, 1-based): chr12:94,331,747, T>A on the plus strand (A>T on the coding strand, the complement: CEP83 is on the minus strand). VCF-style: chr12-94331747-T-A. GRCh37 (hg19) VCF-style: chr12-94725523-T-A.
Other names: c.1660A>T, p.Asn554Tyr (NM_001042399.2, NM_001346457.2, NM_001368037.1 and 1 more transcripts); c.1348A>T, p.Asn450Tyr (NM_001346458.2, NM_001346459.2, NM_001368039.1 and 1 more transcripts); c.1435A>T, p.Asn479Tyr (NM_001368041.1); short protein forms N450Y, N554Y, N479Y.
Identifiers: ClinVar variation 942089 (VCV000942089.29), dbSNP rs200232390, ClinGen allele CA6721595.

ClinVar aggregate classification (germline): Conflicting classifications of pathogenicity. Review status: criteria provided, conflicting classifications (1 of 4 stars). 4 submissions from 4 submitters: Uncertain significance (3); Likely benign (1). Last evaluated 2025-10-20.

Conditions:
Inborn genetic diseases. Identifiers: MedGen C0950123, MeSH D030342.
Nephronophthisis 18 (NPHP18). Identifiers: Orphanet 655, MedGen C3890591, MONDO:0014374, OMIM 615862.

Allele frequency attached by ClinVar (database versions not stated): gnomAD exomes 0.00011 and 0.00020; TOPMed 0.00015; ExAC 0.00016; gnomAD 0.00016 and 0.00017; ESP Exome Variant Server 0.00033.
gnomAD v4.1: 333 of 1,613,966 alleles (0.021%); highest among the groups gnomAD compares: Non-Finnish European, 0.026%; no homozygotes.

Submissions (4):

Labcorp Genetics (formerly Invitae), Labcorp
Classification: Uncertain significance for Nephronophthisis 18. Last evaluated: 2025-10-20. Review status: criteria provided, single submitter. Criteria: Invitae Variant Classification Sherloc (09022015). Collection method: clinical testing. Allele origin: germline.
Comment: This sequence change replaces asparagine, which is neutral and polar, with tyrosine, which is neutral and polar, at codon 554 of the CEP83 protein (p.Asn554Tyr). This variant is present in population databases (rs200232390, gnomAD 0.02%), including at least one homozygous and/or hemizygous individual. This variant has not been reported in the literature in individuals affected with CEP83-related conditions. ClinVar contains an entry for this variant (Variation ID: 942089). Invitae Evidence Modeling of protein sequence and biophysical properties (such as structural, functional, and spatial information, amino acid conservation, physicochemical variation, residue mobility, and thermodynamic stability) indicates that this missense variant is not expected to disrupt CEP83 protein function with a negative predictive value of 80%. In summary, the available evidence is currently insufficient to determine the role of this variant in disease. Therefore, it has been classified as a Variant of Uncertain Significance.

Ambry Genetics
Classification: Uncertain significance for Inborn genetic diseases. Last evaluated: 2024-09-03. Review status: criteria provided, single submitter. Criteria: Ambry Variant Classification Scheme 2023. Collection method: clinical testing. Allele origin: germline.

Blueprint Genetics
Classification: Uncertain significance. Last evaluated: 2024-08-16. Review status: criteria provided, single submitter. Criteria: ACMG Guidelines, 2015. Collection method: clinical testing. Allele origin: germline.

CeGaT Center for Human Genetics Tuebingen
Classification: Likely benign. Last evaluated: 2024-04-01. Review status: criteria provided, single submitter. Criteria: CeGaT Center For Human Genetics Tuebingen Variant Classification Criteria Version 2. Collection method: clinical testing. Allele origin: germline. Affected: yes. Observed: 1 variant allele.
Comment: CEP83: BP4